The following is an entry in ClinVar:

NM_000540.3(RYR1):c.13471C>G (p.Pro4491Ala)

Gene: RYR1 (ryanodine receptor 1; plus strand). Cytogenetic location: 19q13.2.
Variant type: single nucleotide variant.
Coding change: c.13471C>G on transcript NM_000540.3 (MANE Select); coding-DNA position 13471, C replaced by G.
Protein change: p.Pro4491Ala; replaces proline 4491 with alanine.
Molecular consequence: missense variant.
Genome position (GRCh38, 1-based): chr19:38,566,944, C>G. VCF-style: chr19-38566944-C-G. GRCh37 (hg19) VCF-style: chr19-39057584-C-G.
Other names: c.13456C>G, p.Pro4486Ala (NM_001042723.2); short protein forms P4491A, P4486A.
Identifiers: ClinVar variation 3583774 (VCV003583774.3).

ClinVar aggregate classification (germline): Uncertain significance. Review status: criteria provided, multiple submitters, no conflicts (2 of 4 stars). 2 submissions from 2 submitters: Uncertain significance (2). Last evaluated 2025-12-01.

Conditions:
King Denborough syndrome (KDS). Identifiers: MedGen C1840365, MONDO:0020485, OMIM 619542.
Congenital multicore myopathy with external ophthalmoplegia (CMYO1B). Also called: MULTICORE MYOPATHY; Minicore myopathy with external ophthalmoplegia; MULTIMINICORE DISEASE WITH EXTERNAL OPHTHALMOPLEGIA; Congenital myopathy 1B, autosomal recessive; Minicore myopathy. Identifiers: Orphanet 598, Orphanet 98905, MedGen C1850674, MONDO:0009712, OMIM 255320, HP:0003789.
Central core myopathy (CMYO1A). Also called: CONGENITAL MYOPATHY 1A, AUTOSOMAL DOMINANT, WITH SUSCEPTIBILITY TO MALIGNANT HYPERTHERMIA; Central core disease; Myopathy, central fibrillar. Identifiers: Orphanet 597, MedGen C5830701, MONDO:0007294, OMIM 117000.
Malignant hyperthermia, susceptibility to, 1 (MHS1). Also called: Anesthesia related hyperthermia; Malignant hyperpyrexia; Fulminating hyperpyrexia; Pharmacogenic myopathy; RYR1-Related Malignant Hyperthermia Susceptibility; Malignant hyperthermia suceptibility 1. Identifiers: Orphanet 423, MedGen C2930980, MONDO:0007783, OMIM 145600.
RYR1-related disorder. Also called: RYR1-related disorders; RYR1-related condition. Identifiers: MedGen CN239331.

Submissions (2):

Labcorp Genetics (formerly Invitae), Labcorp
Classification: Uncertain significance for RYR1-related disorder. Last evaluated: 2025-12-01. Review status: criteria provided, single submitter. Criteria: Invitae Variant Classification Sherloc (09022015). Collection method: clinical testing. Allele origin: germline.
Comment: This sequence change replaces proline, which is neutral and non-polar, with alanine, which is neutral and non-polar, at codon 4491 of the RYR1 protein (p.Pro4491Ala). This variant is not present in population databases (gnomAD no frequency). This variant has not been reported in the literature in individuals affected with RYR1-related conditions. ClinVar contains an entry for this variant (Variation ID: 3583774). Invitae Evidence Modeling of protein sequence and biophysical properties (such as structural, functional, and spatial information, amino acid conservation, physicochemical variation, residue mobility, and thermodynamic stability) indicates that this missense variant is not expected to disrupt RYR1 protein function with a negative predictive value of 95%. In summary, the available evidence is currently insufficient to determine the role of this variant in disease. Therefore, it has been classified as a Variant of Uncertain Significance.

Fulgent Genetics
Classification: Uncertain significance for Central core myopathy; Malignant hyperthermia, susceptibility to, 1; Congenital multicore myopathy with external ophthalmoplegia; King Denborough syndrome. Last evaluated: 2024-04-11. Review status: criteria provided, single submitter. Criteria: ACMG Guidelines, 2015. Collection method: clinical testing. Allele origin: germline.